The following is an entry in ClinVar:

ClinVar aggregate classification (germline): Conflicting classifications of pathogenicity. Review status: criteria provided, conflicting classifications (1 of 4 stars). 2 submissions from 2 submitters: Uncertain significance (1); Likely benign (1). Last evaluated 2022-10-03.

Conditions:
Renal carnitine transport defect (CDSP). Also called: Systemic primary carnitine deficiency; Primary carnitine deficiency; Systemic primary carnitine deficiency disease; CARNITINE DEFICIENCY, SYSTEMIC, DUE TO DEFECT IN RENAL REABSORPTION OF CARNITINE; CARNITINE TRANSPORTER, PLASMA-MEMBRANE, DEFICIENCY OF; CARNITINE UPTAKE DEFECT. Identifiers: Orphanet 158, MedGen C0342788, MONDO:0008919, OMIM 212140.

Allele frequency attached by ClinVar (database versions not stated): gnomAD exomes below 0.00001; TOPMed below 0.00001; ExAC 0.00002.
gnomAD v4.1: 7 of 1,614,144 alleles (0.00043%); highest among the groups gnomAD compares: Admixed American, 0.012%; no homozygotes.

Submissions (2):

Giacomini Lab, University of California, San Francisco
Classification: Likely benign for Renal carnitine transport defect. Last evaluated: 2022-10-03. Review status: criteria provided, single submitter. Criteria: ACMG Guidelines, 2015. Collection method: research, in vitro. Allele origin: germline, not applicable.

Labcorp Genetics (formerly Invitae), Labcorp
Classification: Uncertain significance for Renal carnitine transport defect. Last evaluated: 2022-01-02. Review status: criteria provided, single submitter. Criteria: Invitae Variant Classification Sherloc (09022015). Collection method: clinical testing. Allele origin: germline.
Comment: This sequence change replaces isoleucine, which is neutral and non-polar, with leucine, which is neutral and non-polar, at codon 229 of the SLC22A5 protein (p.Ile229Leu). This variant is present in population databases (rs780840380, gnomAD 0.01%). This variant has not been reported in the literature in individuals affected with SLC22A5-related conditions. Advanced modeling of protein sequence and biophysical properties (such as structural, functional, and spatial information, amino acid conservation, physicochemical variation, residue mobility, and thermodynamic stability) performed at Invitae indicates that this missense variant is not expected to disrupt SLC22A5 protein function. In summary, the available evidence is currently insufficient to determine the role of this variant in disease. Therefore, it has been classified as a Variant of Uncertain Significance.

NM_003060.4(SLC22A5):c.685A>C (p.Ile229Leu)

Gene: SLC22A5 (solute carrier family 22 member 5; plus strand). Cytogenetic location: 5q31.1.
Variant type: single nucleotide variant.
Coding change: c.685A>C on transcript NM_003060.4 (MANE Select); coding-DNA position 685, A replaced by C.
Protein change: p.Ile229Leu; replaces isoleucine 229 with leucine.
Molecular consequence: missense variant.
Genome position (GRCh38, 1-based): chr5:132,385,360, A>C. VCF-style: chr5-132385360-A-C. GRCh37 (hg19) VCF-style: chr5-131721052-A-C.
Other names: p.Ile229Leu; c.757A>C, p.Ile253Leu (NM_001308122.2); short protein forms I229L, I253L.
Identifiers: ClinVar variation 1707652 (VCV001707652.4), dbSNP rs780840380, ClinGen allele CA3403950.
Genomic context (GRCh38, chr5:132,385,360, plus strand): 5'-CTAACTCGACCTCCCTTGTTTTGAACAGGGACAGAAATTCTTGGCAAGTCAGTTCGTATA[A>C]TATTCTCTACGTTAGGAGTGTGCATATTTTATGCATTTGGCTACATGGTGCTGCCACTGT-3'
Protein context (NP_003051.1, residues 219-239): TEILGKSVRI[Ile229Leu]FSTLGVCIFY